The following is an entry in ClinVar:

ClinVar aggregate classification (germline): Uncertain significance (1 of 4 stars; one submission).

Allele frequency attached by ClinVar (database versions not stated): TOPMed 0.00001; gnomAD exomes 0.00006 and 0.00015; gnomAD 0.00011; 1000 Genomes Project 0.00020; ExAC 0.00027; 1000 Genomes Project 30x 0.00047.
gnomAD v4.1: 114 of 1,608,930 alleles (0.0071%); highest among the groups gnomAD compares: South Asian, 0.0055%; no homozygotes.

Submission:

Labcorp Genetics (formerly Invitae), Labcorp
Classification: Uncertain significance. Last evaluated: 2025-11-09. Review status: criteria provided, single submitter. Criteria: Invitae Variant Classification Sherloc (09022015). Collection method: clinical testing. Allele origin: germline.
Comment: This sequence change replaces aspartic acid, which is acidic and polar, with asparagine, which is neutral and polar, at codon 1048 of the AP3D1 protein (p.Asp1048Asn). This variant is present in population databases (rs200108136, gnomAD 0.1%). This variant has not been reported in the literature in individuals affected with AP3D1-related conditions. ClinVar contains an entry for this variant (Variation ID: 1392998). An algorithm developed to predict the effect of missense changes on protein structure and function (PolyPhen-2) suggests that this variant is likely to be tolerated. In summary, the available evidence is currently insufficient to determine the role of this variant in disease. Therefore, it has been classified as a Variant of Uncertain Significance.

NM_001261826.3(AP3D1):c.3142G>A (p.Asp1048Asn)

Gene: AP3D1 (adaptor related protein complex 3 subunit delta 1; minus strand). Cytogenetic location: 19p13.3.
Variant type: single nucleotide variant.
Coding change: c.3142G>A on transcript NM_001261826.3 (MANE Select); coding-DNA position 3142, G replaced by A.
Protein change: p.Asp1048Asn; replaces aspartic acid 1048 with asparagine.
Molecular consequence: missense variant.
Genome position (GRCh38, 1-based): chr19:2,110,740, C>T on the plus strand (G>A on the coding strand, the complement: AP3D1 is on the minus strand). VCF-style: chr19-2110740-C-T. GRCh37 (hg19) VCF-style: chr19-2110739-C-T.
Other names: c.3106G>A, p.Asp1036Asn (NM_001374799.1); c.2956G>A, p.Asp986Asn (NM_003938.8); short protein forms D1048N, D986N, D1036N.
Identifiers: ClinVar variation 1392998 (VCV001392998.6), dbSNP rs200108136, ClinGen allele CA9058558.